The following is an entry in ClinVar:

NM_014633.5(CTR9):c.3032A>G (p.Lys1011Arg)

Gene: CTR9 (CTR9 homolog, Paf1/RNA polymerase II complex component; plus strand). Cytogenetic location: 11p15.4.
Variant type: single nucleotide variant.
Coding change: c.3032A>G on transcript NM_014633.5 (MANE Select); coding-DNA position 3032, A replaced by G.
Protein change: p.Lys1011Arg; replaces lysine 1011 with arginine.
Molecular consequence: missense variant.
Genome position (GRCh38, 1-based): chr11:10,775,570, A>G. VCF-style: chr11-10775570-A-G. GRCh37 (hg19) VCF-style: chr11-10797117-A-G.
Other names: c.2960A>G, p.Lys987Arg (NM_001346279.2); short protein forms K1011R, K987R.
Identifiers: ClinVar variation 3364880 (VCV003364880.1).

ClinVar aggregate classification (germline): Uncertain significance (1 of 4 stars; one submission).

Submission:

GeneDx
Classification: Uncertain significance. Last evaluated: 2023-11-30. Review status: criteria provided, single submitter. Criteria: GeneDx Variant Classification Process June 2021. Collection method: clinical testing. Allele origin: germline. Affected: yes.
Comment: Not observed at significant frequency in large population cohorts (gnomAD); In silico analysis supports that this missense variant does not alter protein structure/function; Has not been previously published as pathogenic or benign to our knowledge